The following is an entry in ClinVar:

NM_001943.5(DSG2):c.1499T>C (p.Ile500Thr)

Gene: DSG2 (desmoglein 2; plus strand). Cytogenetic location: 18q12.1.
Variant type: single nucleotide variant.
Coding change: c.1499T>C on transcript NM_001943.5 (MANE Select); coding-DNA position 1499, T replaced by C.
Protein change: p.Ile500Thr; replaces isoleucine 500 with threonine.
Molecular consequence: missense variant.
Genome position (GRCh38, 1-based): chr18:31,536,277, T>C. VCF-style: chr18-31536277-T-C. GRCh37 (hg19) VCF-style: chr18-29116240-T-C.
Other names: short protein forms I500T.
Identifiers: ClinVar variation 920473 (VCV000920473.11), dbSNP rs769741655, ClinGen allele CA402141489.
Genomic context (GRCh38, chr18:31,536,277, plus strand): 5'-CCATCACTGGCACAGTCCTTATCAATGTTGAAGACATCAACGACAACTGTCCCACACTGA[T>C]AGAGCCTGTGCAGACAATCTGTCACGATGCAGAGTATGTGAATGTTACTGCAGAGGACCT-3'
Protein context (NP_001934.2, residues 490-510): EDINDNCPTL[Ile500Thr]EPVQTICHDA

ClinVar aggregate classification (germline): Uncertain significance. Review status: criteria provided, multiple submitters, no conflicts (2 of 4 stars). 4 submissions from 4 submitters: Uncertain significance (4). Last evaluated 2024-03-06.

Conditions:
Cardiovascular phenotype. Identifiers: MedGen CN230736.
Arrhythmogenic right ventricular cardiomyopathy (ARVD). Also called: Arrhythmogenic cardiomyopathy; Cardiomyopathy, ARVC; Arrhythmogenic right ventricular dysplasia; Arrhythmogenic Right Ventricular Cardiomyopathy (ARVC). Identifiers: Orphanet 247, MedGen C0349788, MeSH D019571, MONDO:0016587. Disease mechanism: loss of function. Inheritance: Various modes of inheritance.
Cardiomyopathy (CMYO). Also called: Cardiomyopathies. Identifiers: Orphanet 167848, MedGen C0878544, MONDO:0004994, HP:0001638. Inheritance: Various modes of inheritance.
Arrhythmogenic right ventricular dysplasia 10. Also called: Arrhythmogenic Right Ventricular Dysplasia/Cardiomyopathy10; ARRHYTHMOGENIC RIGHT VENTRICULAR DYSPLASIA, FAMILIAL, 10; Arrhythmogenic right ventricular dysplasia/cardiomyopathy, type 10. Identifiers: MedGen C1857777, MONDO:0012434, OMIM 610193.

Allele frequency attached by ClinVar (database versions not stated): gnomAD 0.00001; TOPMed 0.00001.

Submissions (4):

Color Diagnostics, LLC DBA Color Health
Classification: Uncertain significance for Cardiomyopathy. Last evaluated: 2024-03-06. Review status: criteria provided, single submitter. Criteria: ACMG Guidelines, 2015. Collection method: clinical testing. Allele origin: germline.
Comment: This missense variant replaces isoleucine with threonine at codon 500 of the DSG2 protein. Computational prediction suggests that this variant may not impact protein structure and function (internally defined REVEL score threshold <= 0.5, PMID: 27666373). To our knowledge, functional studies have not been reported for this variant. This variant has not been reported in individuals affected with DSG2-related disorders in the literature. This variant has not been identified in the general population by the Genome Aggregation Database (gnomAD). The available evidence is insufficient to determine the role of this variant in disease conclusively. Therefore, this variant is classified as a Variant of Uncertain Significance.

All of Us Research Program, National Institutes of Health
Classification: Uncertain significance for Arrhythmogenic right ventricular cardiomyopathy. Last evaluated: 2023-04-03. Review status: criteria provided, single submitter. Criteria: ACMG Guidelines, 2015. Collection method: clinical testing. Allele origin: germline. Inheritance: Autosomal dominant inheritance. Observed: 1 variant allele, 1 heterozygote.
Comment: This missense variant replaces isoleucine with threonine at codon 500 of the DSG2 protein. Computational prediction suggests that this variant may not impact protein structure and function (internally defined REVEL score threshold <= 0.5, PMID: 27666373). To our knowledge, functional studies have not been reported for this variant. This variant has not been reported in individuals affected with cardiovascular disorders in the literature. This variant has not been identified in the general population by the Genome Aggregation Database (gnomAD). The available evidence is insufficient to determine the role of this variant in disease conclusively. Therefore, this variant is classified as a Variant of Uncertain Significance.

This study involves interpretation of variants in research participants for the purpose of population health screening. Participant phenotype was not available at the time of variant classification. Additional details can be found in publication PMID: 35346344, PMCID: PMC8962531

Ambry Genetics
Classification: Uncertain significance for Cardiovascular phenotype. Last evaluated: 2022-01-05. Review status: criteria provided, single submitter. Criteria: Ambry Variant Classification Scheme 2023. Collection method: clinical testing. Allele origin: germline.
Comment: The p.I500T variant (also known as c.1499T>C), located in coding exon 11 of the DSG2 gene, results from a T to C substitution at nucleotide position 1499. The isoleucine at codon 500 is replaced by threonine, an amino acid with similar properties. This amino acid position is conserved. In addition, this alteration is predicted to be tolerated by in silico analysis. Since supporting evidence is limited at this time, the clinical significance of this alteration remains unclear.

Labcorp Genetics (formerly Invitae), Labcorp
Classification: Uncertain significance for Arrhythmogenic right ventricular dysplasia 10. Last evaluated: 2021-12-12. Review status: criteria provided, single submitter. Criteria: Invitae Variant Classification Sherloc (09022015). Collection method: clinical testing. Allele origin: germline.
Comment: In summary, the available evidence is currently insufficient to determine the role of this variant in disease. Therefore, it has been classified as a Variant of Uncertain Significance. Algorithms developed to predict the effect of sequence changes on RNA splicing suggest that this variant may create or strengthen a splice site. Algorithms developed to predict the effect of missense changes on protein structure and function output the following: SIFT: "Tolerated"; PolyPhen-2: "Benign"; Align-GVGD: "Class C0". The threonine amino acid residue is found in multiple mammalian species, which suggests that this missense change does not adversely affect protein function. ClinVar contains an entry for this variant (Variation ID: 920473). This variant has not been reported in the literature in individuals affected with DSG2-related conditions. This variant is not present in population databases (gnomAD no frequency). This sequence change replaces isoleucine, which is neutral and non-polar, with threonine, which is neutral and polar, at codon 500 of the DSG2 protein (p.Ile500Thr).